The following is an entry in ClinVar:

ClinVar aggregate classification (germline): Uncertain significance (1 of 4 stars; one submission).

Conditions:
Developmental and epileptic encephalopathy, 54. Also called: Epileptic encephalopathy, early infantile, 54; HNRNPU-Related Neurodevelopmental Disorder. Identifiers: MedGen C4479319, MONDO:0033363, OMIM 617391.

Allele frequency attached by ClinVar (database versions not stated): gnomAD exomes below 0.00001; TOPMed below 0.00001.
gnomAD v4.1: 2 of 1,592,286 alleles (0.00013%); highest among the groups gnomAD compares: Non-Finnish European, 0.00017%; no homozygotes.

Submission:

Labcorp Genetics (formerly Invitae), Labcorp
Classification: Uncertain significance for Developmental and epileptic encephalopathy, 54. Last evaluated: 2022-08-16. Review status: criteria provided, single submitter. Criteria: Invitae Variant Classification Sherloc (09022015). Collection method: clinical testing. Allele origin: germline.
Comment: In summary, the available evidence is currently insufficient to determine the role of this variant in disease. Therefore, it has been classified as a Variant of Uncertain Significance. Algorithms developed to predict the effect of missense changes on protein structure and function are either unavailable or do not agree on the potential impact of this missense change (SIFT: "Deleterious"; PolyPhen-2: "Not Available"; Align-GVGD: "Class C45"). ClinVar contains an entry for this variant (Variation ID: 1461915). This variant has not been reported in the literature in individuals affected with HNRNPU-related conditions. This variant is present in population databases (no rsID available, gnomAD 0.0009%). This sequence change replaces tryptophan, which is neutral and slightly polar, with cysteine, which is neutral and slightly polar, at codon 363 of the HNRNPU protein (p.Trp363Cys).

NM_031844.3(HNRNPU):c.1089G>T (p.Trp363Cys)

Gene: HNRNPU (heterogeneous nuclear ribonucleoprotein U; minus strand). Cytogenetic location: 1q44.
Variant type: single nucleotide variant.
Coding change: c.1089G>T on transcript NM_031844.3 (MANE Select); coding-DNA position 1089, G replaced by T.
Protein change: p.Trp363Cys; replaces tryptophan 363 with cysteine.
Molecular consequence: missense variant.
Genome position (GRCh38, 1-based): chr1:244,859,303, C>A on the plus strand (G>T on the coding strand, the complement: HNRNPU is on the minus strand). VCF-style: chr1-244859303-C-A. GRCh37 (hg19) VCF-style: chr1-245022605-C-A.
Other names: c.1032G>T, p.Trp344Cys (NM_004501.3); short protein forms W363C, W344C.
Identifiers: ClinVar variation 1461915 (VCV001461915.6), dbSNP rs1135401732, ClinGen allele CA345493078.